The following is an entry in ClinVar:

ClinVar aggregate classification (germline): Uncertain significance (1 of 4 stars; one submission).

Conditions:
Hereditary cancer-predisposing syndrome. Also called: Neoplastic Syndromes, Hereditary; Tumor predisposition; Hereditary Cancer Syndrome; Hereditary neoplastic syndrome. Identifiers: Orphanet 140162, MedGen C0027672, MeSH D009386, MONDO:0015356.

Submission:

Ambry Genetics
Classification: Uncertain significance for Hereditary cancer-predisposing syndrome. Last evaluated: 2026-03-12. Review status: criteria provided, single submitter. Criteria: Ambry Variant Classification Scheme 2023. Collection method: clinical testing. Allele origin: germline.
Comment: The p.N8D variant (also known as c.22A>G), located in coding exon 1 of the CDKN1B gene, results from an A to G substitution at nucleotide position 22. The asparagine at codon 8 is replaced by aspartic acid, an amino acid with highly similar properties. This amino acid position is conserved. In addition, this alteration is predicted to be tolerated by in silico analysis. Based on the available evidence, the clinical significance of this variant remains unclear.

NM_004064.5(CDKN1B):c.22A>G (p.Asn8Asp)

Gene: CDKN1B (cyclin dependent kinase inhibitor 1B; plus strand). Cytogenetic location: 12p13.1.
Variant type: single nucleotide variant.
Coding change: c.22A>G on transcript NM_004064.5 (MANE Select); coding-DNA position 22, A replaced by G.
Protein change: p.Asn8Asp; replaces asparagine 8 with aspartic acid.
Molecular consequence: missense variant.
Genome position (GRCh38, 1-based): chr12:12,717,861, A>G. VCF-style: chr12-12717861-A-G. GRCh37 (hg19) VCF-style: chr12-12870795-A-G.
Other names: short protein forms N8D.
Identifiers: ClinVar variation 4826646 (VCV004826646.1).